The following is an entry in ClinVar:

ClinVar aggregate classification (germline): Conflicting classifications of pathogenicity. Review status: criteria provided, conflicting classifications (1 of 4 stars). 8 submissions from 8 submitters: Uncertain significance (6); Likely benign (2). Last evaluated 2025-07-22.

Conditions:
Hereditary cancer-predisposing syndrome. Also called: Neoplastic Syndromes, Hereditary; Tumor predisposition; Hereditary neoplastic syndrome; Hereditary Cancer Syndrome. Identifiers: Orphanet 140162, MedGen C0027672, MeSH D009386, MONDO:0015356.
Familial cancer of breast. Also called: BREAST CANCER, FAMILIAL; Hereditary breast cancer; hereditary breast carcinoma. Identifiers: Orphanet 227535, MedGen C0346153, MONDO:0016419, OMIM 114480. Disease mechanism: loss of function.
Fanconi anemia complementation group N. Also called: PALB2-Related Fanconi Anemia. Identifiers: Orphanet 84, MedGen C1835817, MONDO:0012565, OMIM 610832. Disease mechanism: loss of function.
Pancreatic cancer, susceptibility to, 3. Identifiers: Orphanet 1333, MedGen C3150547, MONDO:0013236, OMIM 613348.

Allele frequency attached by ClinVar (database versions not stated): gnomAD exomes below 0.00001; TOPMed 0.00002.

Submissions (8):

Labcorp Genetics (formerly Invitae), Labcorp
Classification: Uncertain significance for Familial cancer of breast. Last evaluated: 2025-07-22. Review status: criteria provided, single submitter. Criteria: Invitae Variant Classification Sherloc (09022015). Collection method: clinical testing. Allele origin: germline.
Comment: This sequence change replaces histidine, which is basic and polar, with tyrosine, which is neutral and polar, at codon 69 of the PALB2 protein (p.His69Tyr). This variant is not present in population databases (gnomAD no frequency). This missense change has been observed in individual(s) with breast and/or ovarian cancer (PMID: 32068069, 34326862). ClinVar contains an entry for this variant (Variation ID: 245654). An algorithm developed to predict the effect of missense changes on protein structure and function (PolyPhen-2) suggests that this variant is likely to be disruptive. In summary, the available evidence is currently insufficient to determine the role of this variant in disease. Therefore, it has been classified as a Variant of Uncertain Significance.

Myriad Genetics, Inc.
Classification: Likely benign for Familial cancer of breast. Last evaluated: 2025-01-09. Review status: criteria provided, single submitter. Criteria: Myriad Autosomal Dominant, Autosomal Recessive and X-Linked Classification Criteria (2023). Collection method: clinical testing. Allele origin: unknown.
Comment: This variant is considered likely benign. Homozygosity for this variant has been confirmed in one or more individuals lacking clinical features consistent with gene-specific recessive disease, indicating that this variant is unlikely to be pathogenic.

Color Diagnostics, LLC DBA Color Health
Classification: Uncertain significance for Hereditary cancer-predisposing syndrome. Last evaluated: 2024-12-11. Review status: criteria provided, single submitter. Criteria: ACMG Guidelines, 2015. Collection method: clinical testing. Allele origin: germline.
Comment: This missense variant replaces histidine with tyrosine at codon 69 of the PALB2 protein. Computational prediction suggests that this variant may not impact protein structure and function. To our knowledge, functional studies have not been reported for this variant. This variant has been reported in an individual affected with breast and/or ovarian cancer (PMID: 32068069) and in a breast cancer case-control meta-analysis in 0/60466 cases and 1/53461 unaffected individuals (PMID: 33471991; Leiden Open Variation Database DB-ID PALB2_011203). This variant has not been identified in the general population by the Genome Aggregation Database (gnomAD). The available evidence is insufficient to determine the role of this variant in disease conclusively. Therefore, this variant is classified as a Variant of Uncertain Significance.

Ambry Genetics
Classification: Likely benign for Hereditary cancer-predisposing syndrome. Last evaluated: 2024-09-11. Review status: criteria provided, single submitter. Criteria: Ambry Variant Classification Scheme 2023. Collection method: clinical testing. Allele origin: germline.

GeneDx
Classification: Uncertain significance. Last evaluated: 2023-04-24. Review status: criteria provided, single submitter. Criteria: GeneDx Variant Classification Process June 2021. Collection method: clinical testing. Allele origin: germline. Affected: yes.
Comment: Not observed at significant frequency in large population cohorts (gnomAD); In silico analysis supports that this missense variant has a deleterious effect on protein structure/function; Observed in individual(s) with breast and/or ovarian cancer (Kwong et al., 2020); This variant is associated with the following publications: (PMID: 35230528, 32068069)

Women's Health and Genetics/Laboratory Corporation of America, LabCorp
Classification: Uncertain significance. Last evaluated: 2022-06-20. Review status: criteria provided, single submitter. Criteria: LabCorp Variant Classification Summary - May 2015. Collection method: clinical testing. Allele origin: germline.
Comment: Variant summary: PALB2 c.205C>T (p.His69Tyr) results in a conservative amino acid change in the encoded protein sequence. Three of five in-silico tools predict a benign effect of the variant on protein function. The variant was absent in 251470 control chromosomes. The available data on variant occurrences in the general population are insufficient to allow any conclusion about variant significance. c.205C>T has been reported in the literature as a VUS in settings of multigene panel testing in at-least one individual affected with BRCA-negative Breast and/or Ovarian Cancer (example, Kwong_2020). These report(s) do not provide unequivocal conclusions about association of the variant with Hereditary Breast And Ovarian Cancer Syndrome. To our knowledge, no experimental evidence demonstrating an impact on protein function has been reported. Four clinical diagnostic laboratories have submitted clinical-significance assessments for this variant to ClinVar after 2014 without evidence for independent evaluation. All laboratories classified the variant as uncertain significance. Based on the evidence outlined above, the variant was classified as uncertain significance.

Fulgent Genetics
Classification: Uncertain significance for Familial cancer of breast; Fanconi anemia complementation group N; Pancreatic cancer, susceptibility to, 3. Last evaluated: 2021-08-25. Review status: criteria provided, single submitter. Criteria: ACMG Guidelines, 2015. Collection method: clinical testing. Allele origin: unknown.

Quest Diagnostics Nichols Institute San Juan Capistrano
Classification: Uncertain significance. Last evaluated: 2021-06-19. Review status: criteria provided, single submitter. Criteria: Quest Diagnostics criteria. Collection method: clinical testing. Allele origin: unknown.

Literature cited by the submitters: PubMed 32068069 (cited by 4 submitters); PubMed 34326862 (cited by Labcorp Genetics (formerly Invitae), Labcorp); PubMed 33471991 (cited by Color Diagnostics, LLC DBA Color Health).

NM_024675.4(PALB2):c.205C>T (p.His69Tyr)

Gene: PALB2 (partner and localizer of BRCA2; minus strand). Cytogenetic location: 16p12.2.
Variant type: single nucleotide variant.
Coding change: c.205C>T on transcript NM_024675.4 (MANE Select); coding-DNA position 205, C replaced by T.
Protein change: p.His69Tyr; replaces histidine 69 with tyrosine.
Molecular consequence: missense variant.
Genome position (GRCh38, 1-based): chr16:23,637,856, G>A on the plus strand (C>T on the coding strand, the complement: PALB2 is on the minus strand). VCF-style: chr16-23637856-G-A. GRCh37 (hg19) VCF-style: chr16-23649177-G-A.
Other names: short protein forms H69Y.
Identifiers: ClinVar variation 245654 (VCV000245654.25), dbSNP rs879253891, ClinGen allele CA10584525.